The following is an entry in ClinVar:

NM_001190274.2(FBXO11):c.2555+5C>A

Genes: FBXO11 (F-box protein 11; minus strand), MSH6 (mutS homolog 6; plus strand). Cytogenetic location: 2p16.3.
Variant type: single nucleotide variant.
Coding change: c.2555+5C>A on transcript NM_001190274.2 (MANE Select); 5 bases into the intron after coding-DNA position 2555, C replaced by A.
Molecular consequence: intron variant.
Genome position (GRCh38, 1-based): chr2:47,809,153, G>T on the plus strand (C>A on the coding strand, the complement: FBXO11 is on the minus strand). VCF-style: chr2-47809153-G-T. GRCh37 (hg19) VCF-style: chr2-48036292-G-T.
Other names: c.*44-846G>T (NM_001406809.1); c.*41-846G>T (NM_001406796.1, NM_001406811.1, NM_001406805.1 and 2 more transcripts); c.2303+5C>A (NM_001374325.1, NM_025133.4).
Identifiers: ClinVar variation 2650885 (VCV002650885.22), dbSNP rs368811481, ClinGen allele CA2496056180.
Genomic context (GRCh38, chr2:47,809,153, plus strand): 5'-CATTGCTAATTTAAAAAGGAAATCAGTCTTCCTCTTTTCAGGACTCAAATATATTTCTAA[G>T]TTACCTGTAGAAATCATGCATGGGATAGCTGGTATAACTTGATATTTTATATAAACATTG-3'

ClinVar aggregate classification (germline): Uncertain significance (1 of 4 stars; one submission).

gnomAD v4.1: 3 of 1,498,842 alleles (0.0002%); highest among the groups gnomAD compares: Non-Finnish European, 0.00028%; no homozygotes.

Submission:

CeGaT Center for Human Genetics Tuebingen
Classification: Uncertain significance. Last evaluated: 2023-03-01. Review status: criteria provided, single submitter. Criteria: CeGaT Center For Human Genetics Tuebingen Variant Classification Criteria Version 2. Collection method: clinical testing. Allele origin: germline. Affected: yes. Observed: 1 variant allele.
Comment: FBXO11: PM2, BP4